The following is an entry in ClinVar:

NM_001083614.2(EARS2):c.787G>A (p.Ala263Thr)

Gene: EARS2 (glutamyl-tRNA synthetase 2, mitochondrial; minus strand). Cytogenetic location: 16p12.2.
Variant type: single nucleotide variant.
Coding change: c.787G>A on transcript NM_001083614.2 (MANE Select); coding-DNA position 787, G replaced by A.
Protein change: p.Ala263Thr; replaces alanine 263 with threonine.
Molecular consequence: missense variant. On other transcripts: non-coding transcript variant (1).
Genome position (GRCh38, 1-based): chr16:23,535,059, C>T on the plus strand (G>A on the coding strand, the complement: EARS2 is on the minus strand). VCF-style: chr16-23535059-C-T. GRCh37 (hg19) VCF-style: chr16-23546380-C-T.
Other names: p.Ala263Thr; c.787G>A, p.Ala263Thr (NM_001308211.1); c.787G>A (NM_001083614.1); short protein forms A263T.
Identifiers: ClinVar variation 4542018 (VCV004542018.2).
Genomic context (GRCh38, chr16:23,535,059, plus strand): 5'-TGCCATCCCTGTTGAGGAGCAGGGGCAGGTGGGCGAAGTGGGGTGGCTGCCAGCCCAGGG[C>T]CTGGTAGAGGAGCAGGTGCTTGGCAGTGGAGACGAGCCACTCAGAGCCTCGCAGCACGTG-3'
Protein context (NP_001077083.1, residues 253-273): STAKHLLLYQ[Ala263Thr]LGWQPPHFAH

ClinVar aggregate classification (germline): Uncertain significance. Review status: criteria provided, multiple submitters, no conflicts (2 of 4 stars). 3 submissions from 3 submitters: Uncertain significance (3). Last evaluated 2025-09-26.

Conditions:
Inborn genetic diseases. Identifiers: MedGen C0950123, MeSH D030342.

Submissions (3):

Ambry Genetics
Classification: Uncertain significance for Inborn genetic diseases. Last evaluated: 2025-09-26. Review status: criteria provided, single submitter. Criteria: Ambry Variant Classification Scheme 2023. Collection method: clinical testing. Allele origin: germline.

Mayo Clinic Laboratories, Mayo Clinic
Classification: Uncertain significance. Last evaluated: 2024-12-26. Review status: criteria provided, single submitter. Criteria: ACMG Guidelines, 2015. Collection method: clinical testing. Allele origin: germline. Observed: 1 variant allele.
Comment: PM2_supporting

Blueprint Genetics
Classification: Uncertain significance. Last evaluated: 2023-05-04. Review status: criteria provided, single submitter. Criteria: ACMG Guidelines, 2015. Collection method: clinical testing. Allele origin: germline.